The following is an entry in ClinVar:

ClinVar aggregate classification (germline): Conflicting classifications of pathogenicity. Review status: criteria provided, conflicting classifications (1 of 4 stars). 2 submissions from 2 submitters: Pathogenic (1); Uncertain significance (1). Last evaluated 2025-08-23.

Conditions:
HPS1-related disorders.

Submissions (2):

Labcorp Genetics (formerly Invitae), Labcorp
Classification: Uncertain significance. Last evaluated: 2025-08-23. Review status: criteria provided, single submitter. Criteria: Invitae Variant Classification Sherloc (09022015). Collection method: clinical testing. Allele origin: germline.
Comment: This variant, c.166_168del, results in the deletion of 1 amino acid(s) of the HPS1 protein (p.Ile56del), but otherwise preserves the integrity of the reading frame. This variant is not present in population databases (gnomAD no frequency). This variant has been observed in individual(s) with Hermansky-Pudlak syndrome (PMID: 9497254). Experimental studies and prediction algorithms are not available or were not evaluated, and the functional significance of this variant is currently unknown. In summary, the available evidence is currently insufficient to determine the role of this variant in disease. Therefore, it has been classified as a Variant of Uncertain Significance.

Blueprint Genetics
Classification: Pathogenic for HPS1-related disorders. Last evaluated: 2021-05-24. Review status: criteria provided, single submitter. Criteria: ACMG Guidelines, 2015. Collection method: clinical testing. Allele origin: germline. Affected: yes. Observed: 2 variant alleles.

Literature cited by the submitters: PubMed 9497254 (cited by Labcorp Genetics (formerly Invitae), Labcorp).

NM_000195.5(HPS1):c.163ATC[1] (p.Ile56del)

Gene: HPS1 (HPS1 biogenesis of lysosomal organelles complex 3 subunit 1; minus strand). Cytogenetic location: 10q24.2.
Variant type: Microsatellite.
Coding change: c.163ATC[1] on transcript NM_000195.5 (MANE Select); one copy of the 3-base unit ATC starting at c.163; the reference has two copies in a row; one copy, 3 bases deleted.
Protein change: p.Ile56del; deletes isoleucine 56.
Molecular consequence: inframe deletion. On other transcripts: 5 prime UTR variant (6).
Genome position (GRCh38, 1-based): chr10:98,435,722-98,435,724, GAT deleted on the plus strand (ATC on the coding strand, the reverse complement: HPS1 is on the minus strand); deleting any 3 consecutive bases within chr10:98,435,722-98,435,729 gives the same sequence; the position shown is the placement nearest the transcript's 3' end. VCF-style (leftmost placement, unchanged base first): chr10-98435721-AGAT-A. GRCh37 (hg19) VCF-style: chr10-100195478-AGAT-A.
Other names: c.-754ATC[1] (NM_001311345.2); c.163ATC[1], p.Ile56del (NM_001322476.2, NM_001322477.2, NM_001322478.2 and 8 more transcripts); c.-64ATC[1] (NM_001322483.2, NM_001322484.2, NM_001322485.2); c.-853ATC[1] (NM_001322487.2); c.-611ATC[1] (NM_001322489.2); short protein forms I56del.
Identifiers: ClinVar variation 4709762 (VCV004709762.2), dbSNP rs281865073.